The following is an entry in ClinVar:

NM_001256071.3(RNF213):c.11820C>T (p.Arg3940=)

Genes: RNF213 (ring finger protein 213; plus strand), RNF213-AS1 (RNF213 antisense RNA 1; minus strand). Cytogenetic location: 17q25.3.
Variant type: single nucleotide variant.
Coding change: c.11820C>T on transcript NM_001256071.3 (MANE Select); coding-DNA position 11820, C replaced by T.
Protein change: p.Arg3940=; no amino-acid change (arginine 3940 retained).
Molecular consequence: synonymous variant.
Genome position (GRCh38, 1-based): chr17:80,364,502, C>T. VCF-style: chr17-80364502-C-T. GRCh37 (hg19) VCF-style: chr17-78338302-C-T.
Identifiers: ClinVar variation 721513 (VCV000721513.16), dbSNP rs144664526, ClinGen allele CA8821968.
Genomic context (GRCh38, chr17:80,364,502, plus strand): 5'-GAGTCGGATTTTCTCCACCGCACTCTTCGTGGAGCACGTGCTCCTAGGAACCGAGAGCCG[C>T]GTCCCCGAGTTACAGGGGCTGGTGACCGAGCACGTCTTCTTACTAGACAAGGTGAGTACT-3'
Protein context (NP_001243000.2, residues 3930-3950): VEHVLLGTES[Arg3940=]VPELQGLVTE

ClinVar aggregate classification (germline): Benign. Review status: criteria provided, multiple submitters, no conflicts (2 of 4 stars). 4 submissions from 4 submitters: Benign (4). Last evaluated 2026-03-01.

Conditions:
RNF213-related disorder. Also called: RNF213-related condition.

Allele frequency attached by ClinVar (database versions not stated): gnomAD 0.00029 and 0.00072; ESP Exome Variant Server 0.00046; TOPMed 0.00051; gnomAD exomes 0.00229; ExAC 0.00262; 1000 Genomes Project 0.00359; 1000 Genomes Project 30x 0.00359.
gnomAD v4.1: 2,142 of 1,614,156 alleles (0.13%); highest among the groups gnomAD compares: South Asian, 1.4%; 31 homozygotes.

Submissions (4):

CeGaT Center for Human Genetics Tuebingen
Classification: Benign. Last evaluated: 2026-03-01. Review status: criteria provided, single submitter. Criteria: CeGaT Center For Human Genetics Tuebingen Variant Classification Criteria Version 2. Collection method: clinical testing. Allele origin: germline. Affected: yes. Observed: 2 variant alleles.
Comment: RNF213: BP4, BP7, BS1, BS2

Labcorp Genetics (formerly Invitae), Labcorp
Classification: Benign. Last evaluated: 2025-08-03. Review status: criteria provided, single submitter. Criteria: Invitae Variant Classification Sherloc (09022015). Collection method: clinical testing. Allele origin: germline.

PreventionGenetics, part of Exact Sciences
Classification: Benign for RNF213-related condition. Last evaluated: 2025-02-08. Review status: criteria provided, single submitter. Criteria: ACMG Guidelines, 2015. Collection method: clinical testing. Allele origin: germline.
Comment: This variant is classified as benign based on ACMG/AMP sequence variant interpretation guidelines (Richards et al. 2015 PMID: 25741868, with internal and published modifications).

Breakthrough Genomics
Classification: Benign. Review status: criteria provided, single submitter. Criteria: ACMG Guidelines, 2015. Collection method: not provided. Allele origin: germline. Inheritance: Autosomal dominant inheritance. Affected: yes.